The following is an entry in ClinVar:

ClinVar aggregate classification (germline): Pathogenic (1 of 4 stars; one submission).

Conditions:
Bardet-Biedl syndrome (BBS). Identifiers: Orphanet 110, MedGen C0752166, MONDO:0015229.

Submission:

Labcorp Genetics (formerly Invitae), Labcorp
Classification: Pathogenic for Bardet-Biedl syndrome. Last evaluated: 2023-03-27. Review status: criteria provided, single submitter. Criteria: Invitae Variant Classification Sherloc (09022015). Collection method: clinical testing. Allele origin: germline.
Comment: This sequence change creates a premature translational stop signal (p.Leu489Trpfs*58) in the BBS2 gene. It is expected to result in an absent or disrupted protein product. Loss-of-function variants in BBS2 are known to be pathogenic (PMID: 11285252, 20177705, 24608809, 26518167). For these reasons, this variant has been classified as Pathogenic. This variant has not been reported in the literature in individuals affected with BBS2-related conditions. This variant is not present in population databases (gnomAD no frequency).

Literature cited by the submitters: PubMed 11285252; PubMed 20177705; PubMed 24608809; PubMed 26518167.

NM_031885.5(BBS2):c.1465del (p.Leu489fs)

Gene: BBS2 (Bardet-Biedl syndrome 2; minus strand). Cytogenetic location: 16q13.
Variant type: Deletion.
Coding change: c.1465del on transcript NM_031885.5 (MANE Select); coding-DNA position 1465, one base deleted (C; older notation c.1465delC).
Protein change: p.Leu489fs; shifts the reading frame from leucine 489.
Molecular consequence: frameshift variant. On other transcripts: non-coding transcript variant (5).
Genome position (GRCh38, 1-based): chr16:56,499,840, G deleted on the plus strand (C on the coding strand, the reverse complement: BBS2 is on the minus strand); the first of 2 consecutive G bases (chr16:56,499,840-56,499,841); deleting either gives the same sequence. VCF-style (leftmost placement, unchanged base first): chr16-56499839-AG-A. GRCh37 (hg19) VCF-style: chr16-56533751-AG-A.
Other names: c.1465del, p.Leu489fs (NM_001377456.1); short protein forms L489fs.
Identifiers: ClinVar variation 2850131 (VCV002850131.3), dbSNP rs2543704394, ClinGen allele CA2739266811.